The following is an entry in ClinVar:

ClinVar aggregate classification (germline): Likely benign. Review status: criteria provided, single submitter (1 of 4 stars). 2 submissions from 2 submitters: Likely benign (1). 1 of the submissions does not count toward it. Last evaluated 2025-08-04.

Conditions:
PKD1L1-related disorder. Also called: PKD1L1-related condition.

Allele frequency attached by ClinVar (database versions not stated): gnomAD 0.00006; ExAC 0.00004; gnomAD exomes 0.00007; TOPMed 0.00006.
gnomAD v4.1: 113 of 1,587,150 alleles (0.0071%); highest among the groups gnomAD compares: Admixed American, 0.027%; no homozygotes.

Submissions (2):

Labcorp Genetics (formerly Invitae), Labcorp
Classification: Likely benign. Last evaluated: 2025-08-04. Review status: criteria provided, single submitter. Criteria: Invitae Variant Classification Sherloc (09022015). Collection method: clinical testing. Allele origin: germline.

PreventionGenetics, part of Exact Sciences
Classification: Likely benign for PKD1L1-related condition. Last evaluated: 2023-01-09. Review status: no assertion criteria provided. Collection method: clinical testing. Allele origin: germline. Not counted in ClinVar's aggregate classification.
Comment: This variant is classified as likely benign based on ACMG/AMP sequence variant interpretation guidelines (Richards et al. 2015 PMID: 25741868, with internal and published modifications).

NM_138295.5(PKD1L1):c.5955C>T (p.Asp1985=)

Gene: PKD1L1 (polycystin 1 like 1, transient receptor potential channel interacting; minus strand). Cytogenetic location: 7p12.3.
Variant type: single nucleotide variant.
Coding change: c.5955C>T on transcript NM_138295.5 (MANE Select); coding-DNA position 5955, C replaced by T.
Protein change: p.Asp1985=; no amino-acid change (aspartic acid 1985 retained).
Molecular consequence: synonymous variant.
Genome position (GRCh38, 1-based): chr7:47,835,232, G>A on the plus strand (C>T on the coding strand, the complement: PKD1L1 is on the minus strand). VCF-style: chr7-47835232-G-A. GRCh37 (hg19) VCF-style: chr7-47874830-G-A.
Identifiers: ClinVar variation 3054002 (VCV003054002.4), dbSNP rs775807913, ClinGen allele CA4252652.